The following is an entry in ClinVar:

NM_007078.3(LDB3):c.945G>C (p.Pro315=)

Gene: LDB3 (LIM domain binding 3; plus strand). Cytogenetic location: 10q23.2.
Variant type: single nucleotide variant.
Coding change: c.945G>C on transcript NM_007078.3 (MANE Select); coding-DNA position 945, G replaced by C.
Protein change: p.Pro315=; no amino-acid change (proline 315 retained).
Molecular consequence: synonymous variant. On other transcripts: intron variant (4).
Genome position (GRCh38, 1-based): chr10:86,706,579, G>C. VCF-style: chr10-86706579-G-C. GRCh37 (hg19) VCF-style: chr10-88466336-G-C.
Other names: c.804G>C, p.Pro268= (NM_001368066.1); c.897-3326G>C (NM_001368064.1, NM_001368065.1); c.1101-3326G>C (NM_001171610.2); c.756-3326G>C (NM_001080114.2).
Identifiers: ClinVar variation 3713253 (VCV003713253.2).
Genomic context (GRCh38, chr10:86,706,579, plus strand): 5'-CCGCCTCATCAGCACCCCTATTGAGCATGCGCCGGTGTGCACCAGCCAGGCCACCACCCC[G>C]CTGCTGCCCGCTTCTGCCCAGCCACCTGCTGCTGCCTCTCCCAGTGCGGCTTCGCCACCC-3'
Protein context (NP_009009.1, residues 305-325): APVCTSQATT[Pro315=]LLPASAQPPA

ClinVar aggregate classification (germline): Uncertain significance (1 of 4 stars; one submission).

Conditions:
Myofibrillar myopathy 4. Also called: Zaspopathy (type). Identifiers: Orphanet 98912, MedGen C4721886, MONDO:0012277, OMIM 609452.

Submission:

Labcorp Genetics (formerly Invitae), Labcorp
Classification: Uncertain significance for Myofibrillar myopathy 4. Last evaluated: 2024-04-06. Review status: criteria provided, single submitter. Criteria: Invitae Variant Classification Sherloc (09022015). Collection method: clinical testing. Allele origin: germline.
Comment: The LDB3 gene has multiple clinically relevant transcripts. This variant occurs in alternate transcript NM_007078.3, and corresponds to NM_001080116.1:c.*7205G>C in the primary transcript. This sequence change affects codon 315 of the LDB3 mRNA. It is a 'silent' change, meaning that it does not change the encoded amino acid sequence of the LDB3 protein. This variant is not present in population databases (gnomAD no frequency). This variant has not been reported in the literature in individuals affected with LDB3-related conditions. In summary, the available evidence is currently insufficient to determine the role of this variant in disease. Therefore, it has been classified as a Variant of Uncertain Significance.